The following is an entry in ClinVar:

NM_015662.3(IFT172):c.483-7T>C

Gene: IFT172 (intraflagellar transport 172; minus strand). Cytogenetic location: 2p23.3.
Variant type: single nucleotide variant.
Coding change: c.483-7T>C on transcript NM_015662.3 (MANE Select); 7 bases into the intron before coding-DNA position 483, T replaced by C.
Molecular consequence: intron variant.
Genome position (GRCh38, 1-based): chr2:27,483,383, A>G on the plus strand (T>C on the coding strand, the complement: IFT172 is on the minus strand). VCF-style: chr2-27483383-A-G. GRCh37 (hg19) VCF-style: chr2-27706250-A-G.
Other names: c.483-7T>C (NM_015662.2).
Identifiers: ClinVar variation 2079932 (VCV002079932.5), dbSNP rs763195358, ClinGen allele CA1580958.
Genomic context (GRCh38, chr2:27,483,383, plus strand): 5'-TACCTAACGATGGTACCATCTGCATGACCAGAGAGAATTCCTTTCCCAGAGCAACTAAAA[A>G]AGGAGAAAGGAGAGAAATACAGGAAGAGACTATTTTATCTCACCAAGAAAGCCCCTTTCT-3'

ClinVar aggregate classification (germline): Likely benign. Review status: criteria provided, single submitter (1 of 4 stars). 2 submissions from 2 submitters: Likely benign (1). 1 of the submissions does not count toward it. Last evaluated 2024-04-25.

Conditions:
Retinitis pigmentosa 71 (RP71). Identifiers: Orphanet 791, MedGen C4225342, MONDO:0014618, OMIM 616394.
Short-rib thoracic dysplasia 10 with or without polydactyly (SRTD10). Identifiers: Orphanet 474, MedGen C3810175, MONDO:0014284, OMIM 615630.
IFT172-related disorder. Also called: IFT172-related condition; IFT172-related disorders.

Allele frequency attached by ClinVar (database versions not stated): gnomAD exomes below 0.00001; TOPMed below 0.00001; ExAC 0.00001.
gnomAD v4.1: 2 of 1,562,928 alleles (0.00013%); highest among the groups gnomAD compares: Admixed American, 0.0033%; no homozygotes.

Submissions (2):

Labcorp Genetics (formerly Invitae), Labcorp
Classification: Likely benign for Retinitis pigmentosa 71; Short-rib thoracic dysplasia 10 with or without polydactyly. Last evaluated: 2024-04-25. Review status: criteria provided, single submitter. Criteria: Invitae Variant Classification Sherloc (09022015). Collection method: clinical testing. Allele origin: germline.

PreventionGenetics, part of Exact Sciences
Classification: Likely benign for IFT172-related condition. Last evaluated: 2023-03-15. Review status: no assertion criteria provided. Collection method: clinical testing. Allele origin: germline. Not counted in ClinVar's aggregate classification.
Comment: This variant is classified as likely benign based on ACMG/AMP sequence variant interpretation guidelines (Richards et al. 2015 PMID: 25741868, with internal and published modifications).